The following is an entry in ClinVar:

ClinVar aggregate classification (germline): Benign/Likely benign. Review status: criteria provided, multiple submitters, no conflicts (2 of 4 stars). 10 submissions from 10 submitters: Benign (7); Likely benign (1). 2 of the submissions do not count toward it. Last evaluated 2026-02-04.

Conditions:
C1Q deficiency. Identifiers: MedGen C3150902, MONDO:0013343.

Allele frequency attached by ClinVar (database versions not stated): gnomAD exomes 0.48561; ESP Exome Variant Server 0.48796; TOPMed 0.53036; ExAC 0.53868; 1000 Genomes Project 0.61641; 1000 Genomes Project 30x 0.61930.

Submissions (10):

Labcorp Genetics (formerly Invitae), Labcorp
Classification: Benign. Last evaluated: 2026-02-04. Review status: criteria provided, single submitter. Criteria: Invitae Variant Classification Sherloc (09022015). Collection method: clinical testing. Allele origin: germline.

Women's Health and Genetics/Laboratory Corporation of America, LabCorp
Classification: Benign. Last evaluated: 2026-01-21. Review status: criteria provided, single submitter. Criteria: LabCorp Variant Classification Summary - May 2015. Collection method: clinical testing. Allele origin: germline.

Blueprint Genetics
Classification: Likely benign. Last evaluated: 2024-11-26. Review status: criteria provided, single submitter. Criteria: ACMG Guidelines, 2015. Collection method: clinical testing. Allele origin: germline.

Unidad de Genómica Garrahan, Hospital de Pediatría Garrahan
Classification: Benign. Last evaluated: 2024-01-24. Review status: criteria provided, single submitter. Criteria: ACMG Guidelines, 2015. Collection method: clinical testing. Allele origin: germline. Affected: no. Observed: 68 variant alleles.
Comment: This variant is classified as Benign based on local population frequency. This variant was detected in 77% of patients studied by a panel of primary immunodeficiencies. Number of patients: 68. Only high quality variants are reported.

Mayo Clinic Laboratories, Mayo Clinic
Classification: Benign. Last evaluated: 2023-08-11. Review status: criteria provided, single submitter. Criteria: ACMG Guidelines, 2015. Collection method: clinical testing. Allele origin: germline. Observed: 304 variant alleles.
Comment: BA1, BS2, BP4, BP7

Genome-Nilou Lab
Classification: Benign for C1Q deficiency 1. Last evaluated: 2021-07-14. Review status: criteria provided, single submitter. Criteria: ACMG Guidelines, 2015. Collection method: clinical testing. Allele origin: germline. Affected: no.

GeneDx
Classification: Benign. Last evaluated: 2018-11-10. Review status: criteria provided, single submitter. Criteria: GeneDx Variant Classification Process June 2021. Collection method: clinical testing. Allele origin: germline. Affected: yes.
Comment: This variant is associated with the following publications: (PMID: 26017655, 12630757, 16465510, 16086173, 20332777)

Breakthrough Genomics
Classification: Benign. Review status: criteria provided, single submitter. Criteria: ACMG Guidelines, 2015. Collection method: not provided. Allele origin: germline. Inheritance: Autosomal recessive inheritance. Affected: yes.

Diagnostic Laboratory, Department of Genetics, University Medical Center Groningen
Classification: Benign. Review status: no assertion criteria provided. Collection method: clinical testing. Allele origin: germline. Affected: yes. Study: VKGL Data-share Consensus. Not counted in ClinVar's aggregate classification.

Joint Genome Diagnostic Labs from Nijmegen and Maastricht, Radboudumc and MUMC+
Classification: Benign. Review status: no assertion criteria provided. Collection method: clinical testing. Allele origin: germline. Affected: yes. Study: VKGL Data-share Consensus. Not counted in ClinVar's aggregate classification.

NM_015991.4(C1QA):c.276A>G (p.Gly92=)

Gene: C1QA (complement C1q A chain; plus strand). Cytogenetic location: 1p36.12.
Variant type: single nucleotide variant.
Coding change: c.276A>G on transcript NM_015991.4 (MANE Select); coding-DNA position 276, A replaced by G.
Protein change: p.Gly92=; no amino-acid change (glycine 92 retained).
Molecular consequence: synonymous variant.
Genome position (GRCh38, 1-based): chr1:22,638,945, A>G. VCF-style: chr1-22638945-A-G. GRCh37 (hg19) VCF-style: chr1-22965438-A-G.
Other names: p.Gly92=; c.276A>G, p.Gly92= (NM_001347466.2, NM_001347465.2); c.276A>G (NM_015991.2).
Identifiers: ClinVar variation 1167796 (VCV001167796.23), dbSNP rs172378, ClinGen allele CA677757.